The following is an entry in ClinVar:

ClinVar aggregate classification (germline): Pathogenic (1 of 4 stars; one submission).

Conditions:
Breast-ovarian cancer, familial, susceptibility to, 2 (BROVCA2). Also called: BRCA2 Hereditary Breast and Ovarian Cancer. Identifiers: Orphanet 145, MedGen C2675520, MONDO:0012933, OMIM 612555. Disease mechanism: loss of function.

Submission:

Myriad Genetics, Inc.
Classification: Pathogenic for Breast-ovarian cancer, familial, susceptibility to, 2. Last evaluated: 2024-12-13. Review status: criteria provided, single submitter. Criteria: Myriad Autosomal Dominant, Autosomal Recessive and X-Linked Classification Criteria (2023). Collection method: clinical testing. Allele origin: unknown.
Comment: This variant is considered pathogenic. This variant creates a frameshift predicted to result in premature protein truncation.

NM_000059.4(BRCA2):c.3581del (p.Gly1194fs)

Gene: BRCA2 (BRCA2 DNA repair associated; plus strand). Cytogenetic location: 13q13.1.
Variant type: Deletion.
Coding change: c.3581del on transcript NM_000059.4 (MANE Select); coding-DNA position 3581, one base deleted (G; older notation c.3581delG).
Protein change: p.Gly1194fs; shifts the reading frame from glycine 1194.
Molecular consequence: frameshift variant. On other transcripts: non-coding transcript variant (1), intron variant (2).
Genome position (GRCh38, 1-based): chr13:32,337,936, G deleted; the last of 2 consecutive G bases (chr13:32,337,935-32,337,936); deleting either gives the same sequence. VCF-style (leftmost placement, unchanged base first): chr13-32337934-TG-T. GRCh37 (hg19) VCF-style: chr13-32912071-TG-T.
Other names: c.3581del, p.Gly1194fs (NM_001406719.1, NM_001406720.1, NM_001432077.1); c.1909+4549del (NM_001406721.1); c.425-6622del (NM_001406722.1); short protein forms G1194fs.
Identifiers: ClinVar variation 3773542 (VCV003773542.1).
Genomic context (GRCh38, chr13:32,337,934, plus strand): 5'-TGGTCAGGTAGACAGCAGCAAGCAATTTGAAGGTACAGTTGAAATTAAACGGAAGTTTGC[TG>T]GCCTGTTGAAAAATGACTGTAACAAAAGTGCTTCTGGTTATTTAACAGATGAAAATGAAG-3'